The following is an entry in ClinVar:

ClinVar aggregate classification (germline): Uncertain significance (1 of 4 stars; one submission).

gnomAD v4.1: 14 of 1,614,082 alleles (0.00087%); highest among the groups gnomAD compares: Admixed American, 0.0033%; no homozygotes.

Submission:

GeneDx
Classification: Uncertain significance. Last evaluated: 2025-06-17. Review status: criteria provided, single submitter. Criteria: GeneDx Variant Classification Process June 2021. Collection method: clinical testing. Allele origin: germline. Affected: yes.
Comment: In silico analysis suggests that this missense variant does not alter protein structure/function; Has not been previously published as pathogenic or benign to our knowledge

NM_021035.3(ZNFX1):c.1405G>A (p.Val469Ile)

Gene: ZNFX1 (zinc finger NFX1-type containing 1; minus strand). Cytogenetic location: 20q13.13.
Variant type: single nucleotide variant.
Coding change: c.1405G>A on transcript NM_021035.3 (MANE Select); coding-DNA position 1405, G replaced by A.
Protein change: p.Val469Ile; replaces valine 469 with isoleucine.
Molecular consequence: missense variant.
Genome position (GRCh38, 1-based): chr20:49,270,407, C>T on the plus strand (G>A on the coding strand, the complement: ZNFX1 is on the minus strand). VCF-style: chr20-49270407-C-T. GRCh37 (hg19) VCF-style: chr20-47886944-C-T.
Other names: short protein forms V469I.
Identifiers: ClinVar variation 4540046 (VCV004540046.1).